The following is an entry in ClinVar:

NM_006277.3(ITSN2):c.2953+5G>A

Gene: ITSN2 (intersectin 2; minus strand). Cytogenetic location: 2p23.3.
Variant type: single nucleotide variant.
Coding change: c.2953+5G>A on transcript NM_006277.3 (MANE Select); 5 bases into the intron after coding-DNA position 2953, G replaced by A.
Molecular consequence: intron variant.
Genome position (GRCh38, 1-based): chr2:24,254,362, C>T on the plus strand (G>A on the coding strand, the complement: ITSN2 is on the minus strand). VCF-style: chr2-24254362-C-T. GRCh37 (hg19) VCF-style: chr2-24477231-C-T.
Other names: c.2833+5G>A (NM_001348182.2, NM_001348186.2); c.2872+5G>A (NM_019595.4, NM_001348183.2); c.2911+5G>A (NM_001348181.2); c.2953+5G>A (NM_147152.3); c.2914+5G>A (NM_001348185.2); c.2830+5G>A (NM_001348184.2).
Identifiers: ClinVar variation 2745104 (VCV002745104.3), dbSNP rs373594802, ClinGen allele CA1551052.

ClinVar aggregate classification (germline): Uncertain significance (1 of 4 stars; one submission).

Allele frequency attached by ClinVar (database versions not stated): gnomAD exomes 0.00002; ExAC 0.00003; gnomAD 0.00003; TOPMed 0.00004; ESP Exome Variant Server 0.00008.
gnomAD v4.1: 44 of 1,607,448 alleles (0.0027%); highest among the groups gnomAD compares: Middle Eastern, 0.066%; no homozygotes.

Submission:

Labcorp Genetics (formerly Invitae), Labcorp
Classification: Uncertain significance. Last evaluated: 2023-11-13. Review status: criteria provided, single submitter. Criteria: Invitae Variant Classification Sherloc (09022015). Collection method: clinical testing. Allele origin: germline.
Comment: This sequence change falls in intron 24 of the ITSN2 gene. It does not directly change the encoded amino acid sequence of the ITSN2 protein. It affects a nucleotide within the consensus splice site. This variant is present in population databases (rs373594802, gnomAD 0.004%). This variant has not been reported in the literature in individuals affected with ITSN2-related conditions. Variants that disrupt the consensus splice site are a relatively common cause of aberrant splicing (PMID: 17576681, 9536098). Algorithms developed to predict the effect of sequence changes on RNA splicing suggest that this variant may disrupt the consensus splice site. In summary, the available evidence is currently insufficient to determine the role of this variant in disease. Therefore, it has been classified as a Variant of Uncertain Significance.

Literature cited by the submitters: PubMed 17576681; PubMed 9536098.